The following is an entry in ClinVar:

ClinVar aggregate classification (germline): Uncertain significance (1 of 4 stars; one submission).

Conditions:
Danon disease. Also called: Glycogen Storage Disease Type IIb; ANTOPOL DISEASE; PSEUDOGLYCOGENOSIS II; GSD IIb; LYSOSOMAL GLYCOGEN STORAGE DISEASE WITHOUT ACID MALTASE DEFICIENCY. Identifiers: Orphanet 34587, MedGen C0878677, MONDO:0010281, OMIM 300257.

gnomAD v4.1: 13 of 1,208,835 alleles (0.0011%); highest among the groups gnomAD compares: Non-Finnish European, 0.0015%; no homozygotes.

Submission:

Labcorp Genetics (formerly Invitae), Labcorp
Classification: Uncertain significance for Danon disease. Last evaluated: 2025-04-29. Review status: criteria provided, single submitter. Criteria: Invitae Variant Classification Sherloc (09022015). Collection method: clinical testing. Allele origin: germline.
Comment: This sequence change replaces histidine, which is basic and polar, with arginine, which is basic and polar, at codon 404 of the LAMP2 protein (p.His404Arg). This variant is not present in population databases (gnomAD no frequency). This variant has not been reported in the literature in individuals affected with LAMP2-related conditions. ClinVar contains an entry for this variant (Variation ID: 3611905). Invitae Evidence Modeling of protein sequence and biophysical properties (such as structural, functional, and spatial information, amino acid conservation, physicochemical variation, residue mobility, and thermodynamic stability) indicates that this missense variant is not expected to disrupt LAMP2 protein function with a negative predictive value of 80%. In summary, the available evidence is currently insufficient to determine the role of this variant in disease. Therefore, it has been classified as a Variant of Uncertain Significance.

NM_002294.3(LAMP2):c.1211A>G (p.His404Arg)

Gene: LAMP2 (lysosome associated membrane protein 2; minus strand). Cytogenetic location: Xq24.
Variant type: single nucleotide variant.
Coding change: c.1211A>G on transcript NM_002294.3 (MANE Select); coding-DNA position 1211, A replaced by G.
Protein change: p.His404Arg; replaces histidine 404 with arginine.
Molecular consequence: missense variant. On other transcripts: intron variant (1).
Genome position (GRCh38, 1-based): chrX:120,431,345, T>C on the plus strand (A>G on the coding strand, the complement: LAMP2 is on the minus strand). VCF-style: chrX-120431345-T-C. GRCh37 (hg19) VCF-style: chrX-119565200-T-C.
Other names: c.1094-2719A>G (NM_001122606.1); short protein forms H404R.
Identifiers: ClinVar variation 3611905 (VCV003611905.2).